The following is an entry in ClinVar:

NM_017429.3(BCO1):c.1136C>T (p.Ala379Val)

Gene: BCO1 (beta-carotene oxygenase 1; plus strand). Cytogenetic location: 16q23.2.
Variant type: single nucleotide variant.
Coding change: c.1136C>T on transcript NM_017429.3 (MANE Select); coding-DNA position 1136, C replaced by T.
Protein change: p.Ala379Val; replaces alanine 379 with valine.
Molecular consequence: missense variant.
Genome position (GRCh38, 1-based): chr16:81,280,891, C>T. VCF-style: chr16-81280891-C-T. GRCh37 (hg19) VCF-style: chr16-81314496-C-T.
Other names: NC_000016.9:g.81314496C>T; short protein forms A379V.
Identifiers: ClinVar variation 1253021 (VCV001253021.4), dbSNP rs7501331, ClinGen allele CA8191020.

ClinVar aggregate classification (germline): Benign. Review status: criteria provided, multiple submitters, no conflicts (2 of 4 stars). 2 submissions from 2 submitters: Benign (2). Last evaluated 2021-06-09.

Allele frequency attached by ClinVar (database versions not stated): 1000 Genomes Project 30x 0.14866; 1000 Genomes Project 0.15216; TOPMed 0.16296; ESP Exome Variant Server 0.17156; gnomAD 0.17705 and 0.17808; gnomAD exomes 0.21122 and 0.22644; ExAC 0.21246.
gnomAD v4.1: 356,666 of 1,611,860 alleles (22%); highest among the groups gnomAD compares: Non-Finnish European, 24%; 42,137 homozygotes.

Submissions (4):

GeneDx
Classification: Benign. Last evaluated: 2021-06-09. Review status: criteria provided, single submitter. Criteria: GeneDx Variant Classification Process June 2021. Collection method: clinical testing. Allele origin: germline. Affected: yes.
Comment: This variant is associated with the following publications: (PMID: 19103647)

Breakthrough Genomics
Classification: Benign. Review status: criteria provided, single submitter. Criteria: ACMG Guidelines, 2015. Collection method: not provided. Allele origin: germline. Inheritance: Autosomal dominant inheritance. Affected: yes.

Dr. Peter K. Rogan Lab, Western University
No classification provided (evidence only). Condition: Malignant lymphoma, large B-cell, diffuse. Review status: no classification provided. Collection method: in vitro. Allele origin: not applicable. Functional consequence: retained intron. Not counted in ClinVar's aggregate classification.

Dr. Peter K. Rogan Lab, Western University
No classification provided (evidence only). Condition: Uterine carcinosarcoma. Review status: no classification provided. Collection method: in vitro. Allele origin: not applicable. Functional consequence: retained intron. Not counted in ClinVar's aggregate classification.